The following is an entry in ClinVar:

ClinVar aggregate classification (germline): Uncertain significance (1 of 4 stars; one submission).

Conditions:
SCLT1-related disorder. Also called: SCLT1-related condition.

gnomAD v4.1: 3 of 1,603,866 alleles (0.00019%); highest among the groups gnomAD compares: Non-Finnish European, 0.00026%; no homozygotes.

Submission:

PreventionGenetics, part of Exact Sciences
Classification: Uncertain significance for SCLT1-related condition. Last evaluated: 2024-10-10. Review status: criteria provided, single submitter. Criteria: ACMG Guidelines, 2015. Collection method: clinical testing. Allele origin: germline.
Comment: The SCLT1 c.790G>T variant is predicted to result in the amino acid substitution p.Val264Leu. To our knowledge, this variant has not been reported in the literature or in a large population database (gnomAD), indicating this variant is rare. At this time, the clinical significance of this variant is uncertain due to the absence of conclusive functional and genetic evidence.

NM_144643.4(SCLT1):c.790G>T (p.Val264Leu)

Gene: SCLT1 (sodium channel and clathrin linker 1; minus strand). Cytogenetic location: 4q28.2.
Variant type: single nucleotide variant.
Coding change: c.790G>T on transcript NM_144643.4 (MANE Select); coding-DNA position 790, G replaced by T.
Protein change: p.Val264Leu; replaces valine 264 with leucine.
Molecular consequence: missense variant.
Genome position (GRCh38, 1-based): chr4:128,965,306, C>A on the plus strand (G>T on the coding strand, the complement: SCLT1 is on the minus strand). VCF-style: chr4-128965306-C-A. GRCh37 (hg19) VCF-style: chr4-129886461-C-A.
Other names: c.790G>T, p.Val264Leu (NM_001410807.1); short protein forms V264L.
Identifiers: ClinVar variation 4999511 (VCV004999511.1).
Genomic context (GRCh38, chr4:128,965,306, plus strand): 5'-TACTAGACTGTAACTGCTGTAAACGCCTATCTGATGCTTCCTCTCTTCCATGGGCAGACA[C>A]CACATCCTTCTCCTAGAAAATAAAGAAACTAGAAGCTTACTTTGAGTATGTGAAAATTCA-3'
Protein context (NP_653244.2, residues 254-274): GQMKKKEKDV[Val264Leu]SAHGREEASD